The following is an entry in ClinVar:

ClinVar aggregate classification (germline): Uncertain significance (1 of 4 stars; one submission).

Conditions:
Emery-Dreifuss muscular dystrophy 4, autosomal dominant (EDMD4). Also called: EMERY-DREIFUSS MUSCULAR DYSTROPHY 4 WITH VARIABLE FEATURES. Identifiers: Orphanet 261, MedGen C2751807, MONDO:0013071, OMIM 612998.
Autosomal recessive ataxia, Beauce type. Also called: Spinocerebellar ataxia, autosomal recessive 8; ATAXIA, RECESSIVE, OF BEAUCE; SYNE1-Related Autosomal Recessive Cerebellar Ataxia; SYNE1 Deficiency. Identifiers: Orphanet 88644, MedGen C1853116, MONDO:0012549, OMIM 610743.

Allele frequency attached by ClinVar (database versions not stated): gnomAD exomes below 0.00001; TOPMed below 0.00001.
gnomAD v4.1: 5 of 1,614,006 alleles (0.00031%); highest among the groups gnomAD compares: African/African-American, 0.004%; no homozygotes.

Submission:

Labcorp Genetics (formerly Invitae), Labcorp
Classification: Uncertain significance for Emery-Dreifuss muscular dystrophy 4, autosomal dominant; Autosomal recessive ataxia, Beauce type. Last evaluated: 2023-05-23. Review status: criteria provided, single submitter. Criteria: Invitae Variant Classification Sherloc (09022015). Collection method: clinical testing. Allele origin: germline.
Comment: In summary, the available evidence is currently insufficient to determine the role of this variant in disease. Therefore, it has been classified as a Variant of Uncertain Significance. An algorithm developed to predict the effect of missense changes on protein structure and function (PolyPhen-2) suggests that this variant¬¨‚Ä† is likely to be tolerated. ClinVar contains an entry for this variant (Variation ID: 2177329). This variant has not been reported in the literature in individuals affected with SYNE1-related conditions. This variant is not present in population databases (gnomAD no frequency). This sequence change replaces lysine, which is basic and polar, with asparagine, which is neutral and polar, at codon 2348 of the SYNE1 protein (p.Lys2348Asn).

NM_182961.4(SYNE1):c.7023A>T (p.Lys2341Asn)

Gene: SYNE1 (spectrin repeat containing nuclear envelope protein 1; minus strand). Cytogenetic location: 6q25.2.
Variant type: single nucleotide variant.
Coding change: c.7023A>T on transcript NM_182961.4 (MANE Select); coding-DNA position 7023, A replaced by T.
Protein change: p.Lys2341Asn; replaces lysine 2341 with asparagine.
Molecular consequence: missense variant.
Genome position (GRCh38, 1-based): chr6:152,401,144, T>A on the plus strand (A>T on the coding strand, the complement: SYNE1 is on the minus strand). VCF-style: chr6-152401144-T-A. GRCh37 (hg19) VCF-style: chr6-152722279-T-A.
Other names: c.7044A>T, p.Lys2348Asn (NM_033071.5); short protein forms K2341N, K2348N.
Identifiers: ClinVar variation 2177329 (VCV002177329.3), dbSNP rs2097808908, ClinGen allele CA366119124.
Genomic context (GRCh38, chr6:152,401,144, plus strand): 5'-CAGAACTACAATCACCATTTGAATGGAAGCACTTAATGATAGTTTATTACCTACCTTGAC[T>A]TTTTTCAATGCTTCACAAGTCTCATTTTGGGCACAGTTCATCAACGATTCTTCCACTTTT-3'
Protein context (NP_892006.3, residues 2331-2351): AQNETCEALK[Lys2341Asn]VKDIQKELQS